The following is an entry in ClinVar:

ClinVar aggregate classification (germline): Pathogenic (1 of 4 stars; one submission).

Submission:

GeneDx
Classification: Pathogenic. Last evaluated: 2016-12-06. Review status: criteria provided, single submitter. Criteria: GeneDx Variant Classification (06012015). Collection method: clinical testing. Allele origin: germline. Affected: yes.
Comment: A novel Q1667X pathogenic variant has been identified in the CHD2 gene. The Q1667X variant has not been published as a pathogenic variant, nor has it been reported as a benign variant to our knowledge. It was not observed in approximately 6,500 individuals of European and African American ancestry in the NHLBI Exome Sequencing Project, indicating it is not a common benign variant in these populations. The Q1667X nonsense variant in the CHD2 gene is predicted to cause loss of normal protein function either through protein truncation or nonsense-mediated mRNA decay.

NM_001271.4(CHD2):c.4999C>T (p.Gln1667Ter)

Gene: CHD2 (chromodomain helicase DNA binding protein 2; plus strand). Cytogenetic location: 15q26.1.
Variant type: single nucleotide variant.
Coding change: c.4999C>T on transcript NM_001271.4 (MANE Select); coding-DNA position 4999, C replaced by T.
Protein change: p.Gln1667Ter; replaces glutamine 1667 with a stop codon.
Molecular consequence: nonsense.
Genome position (GRCh38, 1-based): chr15:93,020,104, C>T. VCF-style: chr15-93020104-C-T. GRCh37 (hg19) VCF-style: chr15-93563334-C-T.
Other names: short protein forms Q1667*.
Identifiers: ClinVar variation 389972 (VCV000389972.2), dbSNP rs1057523601, ClinGen allele CA16606869.
Genomic context (GRCh38, chr15:93,020,104, plus strand): 5'-AACTATGGTGGTGGCAACAACAATCCACCATGGGGAAGCGACAGGCACCATCAGTATGAG[C>T]AGCACTGGTACAAGGACCACCATTATGGGGACCGGCGACATATGGATGCCCACCGTTCCG-3'